The following is an entry in ClinVar:

NM_001113378.2(FANCI):c.2307G>C (p.Glu769Asp)

Gene: FANCI (FA complementation group I; plus strand). Cytogenetic location: 15q26.1.
Variant type: single nucleotide variant.
Coding change: c.2307G>C on transcript NM_001113378.2 (MANE Select); coding-DNA position 2307, G replaced by C.
Protein change: p.Glu769Asp; replaces glutamic acid 769 with aspartic acid.
Molecular consequence: missense variant.
Genome position (GRCh38, 1-based): chr15:89,293,848, G>C. VCF-style: chr15-89293848-G-C. GRCh37 (hg19) VCF-style: chr15-89837079-G-C.
Other names: c.2028G>C, p.Glu676Asp (NM_001376910.1); c.2307G>C, p.Glu769Asp (NM_001376911.1, NM_018193.3); short protein forms E676D, E769D.
Identifiers: ClinVar variation 2698164 (VCV002698164.3), dbSNP rs1376522409, ClinGen allele CA393750026.

ClinVar aggregate classification (germline): Uncertain significance (1 of 4 stars; one submission).

Conditions:
Fanconi anemia (FA). Also called: Fanconi's anemia. Identifiers: Orphanet 84, MedGen C0015625, MeSH D005199, MONDO:0019391.

Submission:

Labcorp Genetics (formerly Invitae), Labcorp
Classification: Uncertain significance for Fanconi anemia. Last evaluated: 2024-04-05. Review status: criteria provided, single submitter. Criteria: Invitae Variant Classification Sherloc (09022015). Collection method: clinical testing. Allele origin: germline.
Comment: This sequence change replaces glutamic acid, which is acidic and polar, with aspartic acid, which is acidic and polar, at codon 769 of the FANCI protein (p.Glu769Asp). This variant is not present in population databases (gnomAD no frequency). This variant has not been reported in the literature in individuals affected with FANCI-related conditions. Advanced modeling of protein sequence and biophysical properties (such as structural, functional, and spatial information, amino acid conservation, physicochemical variation, residue mobility, and thermodynamic stability) has been performed at Invitae for this missense variant, however the output from this modeling did not meet the statistical confidence thresholds required to predict the impact of this variant on FANCI protein function. In summary, the available evidence is currently insufficient to determine the role of this variant in disease. Therefore, it has been classified as a Variant of Uncertain Significance.